The following is an entry in ClinVar:

ClinVar aggregate classification (germline): Uncertain significance (1 of 4 stars; one submission).

Conditions:
Cardiovascular phenotype. Identifiers: MedGen CN230736.

Submission:

Ambry Genetics
Classification: Uncertain significance for Cardiovascular phenotype. Last evaluated: 2026-02-24. Review status: criteria provided, single submitter. Criteria: Ambry Variant Classification Scheme 2023. Collection method: clinical testing. Allele origin: germline.
Comment: The p.G3376E variant (also known as c.10127G>A), located in coding exon 38 of the ANK2 gene, results from a G to A substitution at nucleotide position 10127. The glycine at codon 3376 is replaced by glutamic acid, an amino acid with similar properties. This amino acid position is conserved. In addition, this alteration is predicted to be tolerated by in silico analysis. Based on the available evidence, the clinical significance of this variant remains unclear.

NM_001148.6(ANK2):c.10127G>A (p.Gly3376Glu)

Gene: ANK2 (ankyrin 2; plus strand). Cytogenetic location: 4q26.
Variant type: single nucleotide variant.
Coding change: c.10127G>A on transcript NM_001148.6 (MANE Select); coding-DNA position 10127, G replaced by A.
Protein change: p.Gly3376Glu; replaces glycine 3376 with glutamic acid.
Molecular consequence: missense variant. On other transcripts: intron variant (68).
Genome position (GRCh38, 1-based): chr4:113,358,745, G>A. VCF-style: chr4-113358745-G-A. GRCh37 (hg19) VCF-style: chr4-114279901-G-A.
Other names: c.9893G>A, p.Gly3298Glu (NM_001386142.1); c.6527G>A, p.Gly2176Glu (NM_001386166.1); c.10268G>A, p.Gly3423Glu (NM_001386174.1); c.10244G>A, p.Gly3415Glu (NM_001386175.1); c.4412-2078G>A (NM_001386186.2, NM_001386148.2); c.4214-2078G>A (NM_001354269.3); c.4292-2078G>A (NM_001386187.2); c.4253-2078G>A (NM_001386147.1); and 35 more; short protein forms G3415E, G3423E, G3376E, G2176E, G3298E.
Identifiers: ClinVar variation 4826620 (VCV004826620.1).